The following is an entry in ClinVar:

ClinVar aggregate classification (germline): Conflicting classifications of pathogenicity. Review status: criteria provided, conflicting classifications (1 of 4 stars). 2 submissions from 2 submitters: Uncertain significance (1); Likely benign (1). Last evaluated 2024-02-05.

Conditions:
Hereditary cancer-predisposing syndrome. Also called: Tumor predisposition; Hereditary Cancer Syndrome; Hereditary neoplastic syndrome; Neoplastic Syndromes, Hereditary. Identifiers: Orphanet 140162, MedGen C0027672, MeSH D009386, MONDO:0015356.
POLD1-related polyposis and colorectal cancer syndrome (CRCS10). Also called: Colorectal cancer 10; COLORECTAL CANCER, SUSCEPTIBILITY TO, ON CHROMOSOME 19q; Colorectal cancer, susceptibility to, 10. Identifiers: Orphanet 220460, MedGen C2675481, MONDO:0012953, OMIM 612591.

Allele frequency attached by ClinVar (database versions not stated): TOPMed below 0.00001.

Submissions (2):

Labcorp Genetics (formerly Invitae), Labcorp
Classification: Uncertain significance for POLD1-related polyposis and colorectal cancer syndrome. Last evaluated: 2024-02-05. Review status: criteria provided, single submitter. Criteria: Invitae Variant Classification Sherloc (09022015). Collection method: clinical testing. Allele origin: germline.
Comment: This sequence change replaces serine, which is neutral and polar, with glycine, which is neutral and non-polar, at codon 544 of the POLD1 protein (p.Ser544Gly). This variant is not present in population databases (gnomAD no frequency). This variant has not been reported in the literature in individuals affected with POLD1-related conditions. ClinVar contains an entry for this variant (Variation ID: 847737). Advanced modeling of protein sequence and biophysical properties (such as structural, functional, and spatial information, amino acid conservation, physicochemical variation, residue mobility, and thermodynamic stability) performed at Invitae indicates that this missense variant is not expected to disrupt POLD1 protein function with a negative predictive value of 80%. In summary, the available evidence is currently insufficient to determine the role of this variant in disease. Therefore, it has been classified as a Variant of Uncertain Significance.

Ambry Genetics
Classification: Likely benign for Hereditary cancer-predisposing syndrome. Last evaluated: 2022-11-18. Review status: criteria provided, single submitter. Criteria: Ambry Variant Classification Scheme 2023. Collection method: clinical testing. Allele origin: germline.

NM_002691.4(POLD1):c.1630A>G (p.Ser544Gly)

Gene: POLD1 (DNA polymerase delta 1, catalytic subunit; plus strand). Cytogenetic location: 19q13.33.
Variant type: single nucleotide variant.
Coding change: c.1630A>G on transcript NM_002691.4 (MANE Select); coding-DNA position 1630, A replaced by G.
Protein change: p.Ser544Gly; replaces serine 544 with glycine.
Molecular consequence: missense variant. On other transcripts: non-coding transcript variant (1).
Genome position (GRCh38, 1-based): chr19:50,407,118, A>G. VCF-style: chr19-50407118-A-G. GRCh37 (hg19) VCF-style: chr19-50910375-A-G.
Other names: c.1630A>G (NM_002691.2); c.1630A>G, p.Ser544Gly (NM_001256849.1, NM_001308632.1); short protein forms S544G.
Identifiers: ClinVar variation 847737 (VCV000847737.9), dbSNP rs2038922133, ClinGen allele CA406981007.